The following is an entry in ClinVar:

NM_001267550.2(TTN):c.87366del (p.Ser29123fs)

Genes: TTN-AS1 (TTN antisense RNA 1; plus strand), TTN (titin; minus strand). Cytogenetic location: 2q31.2.
Variant type: Deletion.
Coding change: c.87366del on transcript NM_001267550.2 (MANE Select); coding-DNA position 87366, one base deleted (C; older notation c.87366delC).
Protein change: p.Ser29123fs; shifts the reading frame from serine 29123.
Molecular consequence: frameshift variant.
Genome position (GRCh38, 1-based): chr2:178,557,988, G deleted on the plus strand (C on the coding strand, the reverse complement: TTN is on the minus strand); the first of 2 consecutive G bases (chr2:178,557,988-178,557,989); deleting either gives the same sequence. VCF-style (leftmost placement, unchanged base first): chr2-178557987-TG-T. GRCh37 (hg19) VCF-style: chr2-179422714-TG-T.
Other names: c.82443del, p.Ser27482fs (NM_001256850.1); c.60171del, p.Ser20058fs (NM_003319.4); c.79662del, p.Ser26555fs (NM_133378.4); c.60546del, p.Ser20183fs (NM_133432.3); c.60747del, p.Ser20250fs (NM_133437.4); short protein forms S20183fs, S20058fs, S26555fs, S27482fs, S20250fs, S29123fs.
Identifiers: ClinVar variation 1492158 (VCV001492158.6), dbSNP rs2154156075, ClinGen allele CA2573134144.

ClinVar aggregate classification (germline): Likely pathogenic (1 of 4 stars; one submission).

Conditions:
Dilated cardiomyopathy 1G (CMD1G). Identifiers: Orphanet 154, MedGen C1858763, MONDO:0011400, OMIM 604145.
Autosomal recessive limb-girdle muscular dystrophy type 2J (LGMDR10). Also called: Limb-girdle muscular dystrophy, type 2J; MUSCULAR DYSTROPHY, LIMB-GIRDLE, AUTOSOMAL RECESSIVE 10. Identifiers: Orphanet 140922, MedGen C1837342, MONDO:0012127, OMIM 608807.

Submission:

Labcorp Genetics (formerly Invitae), Labcorp
Classification: Likely pathogenic for Dilated cardiomyopathy 1G; Autosomal recessive limb-girdle muscular dystrophy type 2J. Last evaluated: 2021-11-21. Review status: criteria provided, single submitter. Criteria: Invitae Variant Classification Sherloc (09022015). Collection method: clinical testing. Allele origin: germline.
Comment: In summary, the currently available evidence indicates that the variant is pathogenic, but additional data are needed to prove that conclusively. Therefore, this variant has been classified as Likely Pathogenic. This variant is located in the A band of TTN (PMID: 25589632). Truncating variants in this region are significantly overrepresented in patients affected with dilated cardiomyopathy (PMID: 25589632). Truncating variants in this region have also been reported in individuals affected with autosomal recessive centronuclear myopathy (PMID: 23975875). This variant has not been reported in the literature in individuals affected with TTN-related conditions. This variant is not present in population databases (gnomAD no frequency). This sequence change creates a premature translational stop signal (p.Ser29123Valfs*13) in the TTN gene. While this is not anticipated to result in nonsense mediated decay, it is expected to create a truncated TTN protein.

Literature cited by the submitters: PubMed 25589632; PubMed 23975875.